The following is an entry in ClinVar:

ClinVar aggregate classification (germline): Uncertain significance (1 of 4 stars; one submission).

Submission:

Labcorp Genetics (formerly Invitae), Labcorp
Classification: Uncertain significance. Last evaluated: 2022-05-28. Review status: criteria provided, single submitter. Criteria: Invitae Variant Classification Sherloc (09022015). Collection method: clinical testing. Allele origin: germline.
Comment: This sequence change replaces glycine, which is neutral and non-polar, with arginine, which is basic and polar, at codon 47 of the FASTKD2 protein (p.Gly47Arg). In summary, the available evidence is currently insufficient to determine the role of this variant in disease. Therefore, it has been classified as a Variant of Uncertain Significance. Algorithms developed to predict the effect of missense changes on protein structure and function output the following: SIFT: "Tolerated"; PolyPhen-2: "Benign"; Align-GVGD: "Class C0". The arginine amino acid residue is found in multiple mammalian species, which suggests that this missense change does not adversely affect protein function. This variant has not been reported in the literature in individuals affected with FASTKD2-related conditions. This variant is not present in population databases (gnomAD no frequency).

NM_001136193.2(FASTKD2):c.139G>C (p.Gly47Arg)

Gene: FASTKD2 (FAST kinase domains 2; plus strand). Cytogenetic location: 2q33.3.
Variant type: single nucleotide variant.
Coding change: c.139G>C on transcript NM_001136193.2 (MANE Select); coding-DNA position 139, G replaced by C.
Protein change: p.Gly47Arg; replaces glycine 47 with arginine.
Molecular consequence: missense variant.
Genome position (GRCh38, 1-based): chr2:206,766,832, G>C. VCF-style: chr2-206766832-G-C. GRCh37 (hg19) VCF-style: chr2-207631556-G-C.
Other names: c.139G>C, p.Gly47Arg (NM_001136194.2, NM_014929.4); short protein forms G47R.
Identifiers: ClinVar variation 1999924 (VCV001999924.4), dbSNP rs2469461335, ClinGen allele CA350068539.